The following is an entry in ClinVar:

NM_014727.3(KMT2B):c.488C>T (p.Pro163Leu)

Gene: KMT2B (lysine methyltransferase 2B; plus strand). Cytogenetic location: 19q13.12.
Variant type: single nucleotide variant.
Coding change: c.488C>T on transcript NM_014727.3 (MANE Select); coding-DNA position 488, C replaced by T.
Protein change: p.Pro163Leu; replaces proline 163 with leucine.
Molecular consequence: missense variant.
Genome position (GRCh38, 1-based): chr19:35,719,835, C>T. VCF-style: chr19-35719835-C-T. GRCh37 (hg19) VCF-style: chr19-36210737-C-T.
Other names: c.488C>T (NM_014727.2); short protein forms P163L.
Identifiers: ClinVar variation 2417624 (VCV002417624.7), dbSNP rs370168284, ClinGen allele CA9384034.

ClinVar aggregate classification (germline): Likely benign. Review status: criteria provided, multiple submitters, no conflicts (2 of 4 stars). 2 submissions from 2 submitters: Likely benign (2). Last evaluated 2025-11-13.

Conditions:
KMT2B-related disorder. Also called: KMT2B-related condition; KMT2B-related disorders. Identifiers: MedGen CN381338.

Allele frequency attached by ClinVar (database versions not stated): gnomAD exomes 0.00001; TOPMed 0.00002; ExAC 0.00003; ESP Exome Variant Server 0.00008.
gnomAD v4.1: 6 of 1,612,034 alleles (0.00037%); highest among the groups gnomAD compares: Admixed American, 0.0033%; no homozygotes.

Submissions (2):

PreventionGenetics, part of Exact Sciences
Classification: Likely benign for KMT2B-related condition. Last evaluated: 2025-11-13. Review status: criteria provided, single submitter. Criteria: ACMG Guidelines, 2015. Collection method: clinical testing. Allele origin: germline.
Comment: This variant is classified as likely benign based on ACMG/AMP sequence variant interpretation guidelines (Richards et al. 2015 PMID: 25741868, with internal and published modifications).

Labcorp Genetics (formerly Invitae), Labcorp
Classification: Likely benign. Last evaluated: 2022-10-17. Review status: criteria provided, single submitter. Criteria: Invitae Variant Classification Sherloc (09022015). Collection method: clinical testing. Allele origin: germline.